The following is an entry in ClinVar:

ClinVar aggregate classification (germline): Uncertain significance (1 of 4 stars; one submission).

Allele frequency attached by ClinVar (database versions not stated): gnomAD exomes 0.00001; gnomAD 0.00002; TOPMed 0.00002.
gnomAD v4.1: 20 of 1,611,920 alleles (0.0012%); highest among the groups gnomAD compares: Non-Finnish European, 0.0016%; no homozygotes.

Submission:

Labcorp Genetics (formerly Invitae), Labcorp
Classification: Uncertain significance. Last evaluated: 2023-04-18. Review status: criteria provided, single submitter. Criteria: Invitae Variant Classification Sherloc (09022015). Collection method: clinical testing. Allele origin: germline.
Comment: Algorithms developed to predict the effect of missense changes on protein structure and function output the following: SIFT: "Not Available"; PolyPhen-2: "Benign"; Align-GVGD: "Not Available". The valine amino acid residue is found in multiple mammalian species, which suggests that this missense change does not adversely affect protein function. In summary, the available evidence is currently insufficient to determine the role of this variant in disease. Therefore, it has been classified as a Variant of Uncertain Significance. This variant has not been reported in the literature in individuals affected with MYO3A-related conditions. This variant is present in population databases (no rsID available, gnomAD 0.002%). This sequence change replaces isoleucine, which is neutral and non-polar, with valine, which is neutral and non-polar, at codon 9 of the MYO3A protein (p.Ile9Val).

NM_017433.5(MYO3A):c.25A>G (p.Ile9Val)

Gene: MYO3A (myosin IIIA; plus strand). Cytogenetic location: 10p12.1.
Variant type: single nucleotide variant.
Coding change: c.25A>G on transcript NM_017433.5 (MANE Select); coding-DNA position 25, A replaced by G.
Protein change: p.Ile9Val; replaces isoleucine 9 with valine.
Molecular consequence: missense variant.
Genome position (GRCh38, 1-based): chr10:25,952,135, A>G. VCF-style: chr10-25952135-A-G. GRCh37 (hg19) VCF-style: chr10-26241064-A-G.
Other names: c.25A>G, p.Ile9Val (NM_001368265.1); short protein forms I9V.
Identifiers: ClinVar variation 2966405 (VCV002966405.3), dbSNP rs1015649982, ClinGen allele CA204350953.